The following is an entry in ClinVar:

ClinVar aggregate classification (germline): Uncertain significance (1 of 4 stars; one submission).

Conditions:
Hypertrophic cardiomyopathy. Also called: HYPERTROPHIC MYOCARDIOPATHY. Identifiers: Orphanet 217569, MedGen C0007194, MeSH D002312, MONDO:0005045, HP:0001639.

gnomAD v4.1: 3 of 1,613,202 alleles (0.00019%); highest among the groups gnomAD compares: Non-Finnish European, 0.00025%; no homozygotes.

Submission:

Labcorp Genetics (formerly Invitae), Labcorp
Classification: Uncertain significance for Hypertrophic cardiomyopathy. Last evaluated: 2026-01-11. Review status: criteria provided, single submitter. Criteria: Invitae Variant Classification Sherloc (09022015). Collection method: clinical testing. Allele origin: germline.
Comment: This sequence change replaces asparagine, which is neutral and polar, with lysine, which is basic and polar, at codon 17 of the TPM1 protein (p.Asn17Lys). This variant is present in population databases (no rsID available, gnomAD 0.0009%). This variant has not been reported in the literature in individuals affected with TPM1-related conditions. ClinVar contains an entry for this variant (Variation ID: 238212). An algorithm developed to predict the effect of missense changes on protein structure and function (PolyPhen-2) suggests that this variant is likely to be disruptive. In summary, the available evidence is currently insufficient to determine the role of this variant in disease. Therefore, it has been classified as a Variant of Uncertain Significance.

NM_001018005.2(TPM1):c.51C>G (p.Asn17Lys)

Gene: TPM1 (tropomyosin 1; plus strand). Cytogenetic location: 15q22.2.
Variant type: single nucleotide variant.
Coding change: c.51C>G on transcript NM_001018005.2 (MANE Select); coding-DNA position 51, C replaced by G.
Protein change: p.Asn17Lys; replaces asparagine 17 with lysine.
Molecular consequence: missense variant.
Genome position (GRCh38, 1-based): chr15:63,042,880, C>G. VCF-style: chr15-63042880-C-G. GRCh37 (hg19) VCF-style: chr15-63335079-C-G.
Other names: c.51C>G, p.Asn17Lys (NM_000366.6, NM_001018004.2, NM_001018006.2 and 7 more transcripts); short protein forms N17K.
Identifiers: ClinVar variation 238212 (VCV000238212.8), dbSNP rs878854150, ClinGen allele CA10583256.
Genomic context (GRCh38, chr15:63,042,880, plus strand): 5'-CGCCGCCACCATGGACGCCATCAAGAAGAAGATGCAGATGCTGAAGCTCGACAAGGAGAA[C>G]GCCTTGGATCGAGCTGAGCAGGCGGAGGCCGACAAGAAGGCGGCGGAAGACAGGAGCAAG-3'
Protein context (NP_001018005.1, residues 7-27): KMQMLKLDKE[Asn17Lys]ALDRAEQAEA